The following is an entry in ClinVar:

ClinVar aggregate classification (germline): Uncertain significance (1 of 4 stars; one submission).

Conditions:
Combined immunodeficiency due to LRBA deficiency. Also called: Common variable immunodeficiency 8, with autoimmunity. Identifiers: Orphanet 445018, MedGen C3553512, MONDO:0013863, OMIM 614700.

Submission:

Labcorp Genetics (formerly Invitae), Labcorp
Classification: Uncertain significance for Combined immunodeficiency due to LRBA deficiency. Last evaluated: 2018-05-06. Review status: criteria provided, single submitter. Criteria: Invitae Variant Classification Sherloc (09022015). Collection method: clinical testing. Allele origin: germline.
Comment: Experimental studies and prediction algorithms are not available for this variant, and the functional significance of the deleted amino acid is currently unknown. In summary, the available evidence is currently insufficient to determine the role of this variant in disease. Therefore, it has been classified as a Variant of Uncertain Significance. This variant has not been reported in the literature in individuals with LRBA-related disease. This variant is not present in population databases (ExAC no frequency). This variant, c.8134_8136delGTG, results in the deletion of 1 amino acid of the LRBA protein (p.Val2712del), but otherwise preserves the integrity of the reading frame.

NM_001364905.1(LRBA):c.8101_8103del (p.Val2701del)

Gene: LRBA (LPS responsive beige-like anchor protein; minus strand). Cytogenetic location: 4q31.3.
Variant type: Deletion.
Coding change: c.8101_8103del on transcript NM_001364905.1 (MANE Select); coding-DNA positions 8101 to 8103, 3 bases deleted (GTG; older notation c.8101_8103delGTG).
Protein change: p.Val2701del; deletes valine 2701.
Molecular consequence: inframe deletion. On other transcripts: inframe indel (2).
Genome position (GRCh38, 1-based): chr4:150,285,949-150,285,951, CAC deleted on the plus strand (GTG on the coding strand, the reverse complement: LRBA is on the minus strand); deleting any 3 consecutive bases within chr4:150,285,949-150,285,953 gives the same sequence; the c. name uses the placement nearest the transcript's 3' end. VCF-style (leftmost placement, unchanged base first): chr4-150285948-ACAC-A. GRCh37 (hg19) VCF-style: chr4-151207100-ACAC-A.
Other names: c.8134_8136delGTG (NM_006726.4); c.8096_8098delTGG, p.Val2700del (NM_001199282.3); c.8116_8118del, p.Val2706del (NM_001367550.1); c.8132_8134delTGG, p.Val2712del (NM_006726.5); short protein forms V2701del, V2712del, V2700del, V2706del.
Identifiers: ClinVar variation 568250 (VCV000568250.7), dbSNP rs1560963643, ClinGen allele CA891842678.